The following is an entry in ClinVar:

NM_013266.4(CTNNA3):c.987C>T (p.Ile329=)

Gene: CTNNA3 (catenin alpha 3; minus strand). Cytogenetic location: 10q21.3.
Variant type: single nucleotide variant.
Coding change: c.987C>T on transcript NM_013266.4 (MANE Select); coding-DNA position 987, C replaced by T.
Protein change: p.Ile329=; no amino-acid change (isoleucine 329 retained).
Molecular consequence: synonymous variant.
Genome position (GRCh38, 1-based): chr10:67,180,377, G>A on the plus strand (C>T on the coding strand, the complement: CTNNA3 is on the minus strand). VCF-style: chr10-67180377-G-A. GRCh37 (hg19) VCF-style: chr10-68940135-G-A.
Other names: c.987C>T, p.Ile329= (NM_001127384.3); c.1023C>T, p.Ile341= (NM_001291133.2).
Identifiers: ClinVar variation 1768469 (VCV001768469.30), dbSNP rs372427902, ClinGen allele CA5520433.

ClinVar aggregate classification (germline): Likely benign. Review status: criteria provided, multiple submitters, no conflicts (2 of 4 stars). 4 submissions from 4 submitters: Likely benign (4). Last evaluated 2025-12-21.

Conditions:
Arrhythmogenic right ventricular dysplasia 13. Also called: ARRHYTHMOGENIC RIGHT VENTRICULAR CARDIOMYOPATHY 13; Arrhythmogenic right ventricular dysplasia, familial, 13. Identifiers: MedGen C3810138, MONDO:0000908, OMIM 615616.

Allele frequency attached by ClinVar (database versions not stated): gnomAD 0.00001; gnomAD exomes 0.00003; TOPMed 0.00003; ExAC 0.00004; ESP Exome Variant Server 0.00008.
gnomAD v4.1: 37 of 1,613,690 alleles (0.0023%); highest among the groups gnomAD compares: East Asian, 0.022%; no homozygotes.

Submissions (4):

Labcorp Genetics (formerly Invitae), Labcorp
Classification: Likely benign for Arrhythmogenic right ventricular dysplasia 13. Last evaluated: 2025-12-21. Review status: criteria provided, single submitter. Criteria: Invitae Variant Classification Sherloc (09022015). Collection method: clinical testing. Allele origin: germline.

CeGaT Center for Human Genetics Tuebingen
Classification: Likely benign. Last evaluated: 2022-12-01. Review status: criteria provided, single submitter. Criteria: CeGaT Center For Human Genetics Tuebingen Variant Classification Criteria Version 2. Collection method: clinical testing. Allele origin: germline. Affected: yes. Observed: 1 variant allele.
Comment: CTNNA3: BP4, BP7

Ambry Genetics
Classification: Likely benign. Last evaluated: 2019-07-28. Review status: criteria provided, single submitter. Criteria: Ambry Variant Classification Scheme 2023. Collection method: clinical testing. Allele origin: germline.

Blueprint Genetics
Classification: Likely benign. Last evaluated: 2017-09-20. Review status: criteria provided, single submitter. Criteria: ACMG Guidelines, 2015. Collection method: clinical testing. Allele origin: germline.